The following is an entry in ClinVar:

NM_005045.4(RELN):c.6759C>A (p.Asn2253Lys)

Gene: RELN (reelin; minus strand). Cytogenetic location: 7q22.1.
Variant type: single nucleotide variant.
Coding change: c.6759C>A on transcript NM_005045.4 (MANE Select); coding-DNA position 6759, C replaced by A.
Protein change: p.Asn2253Lys; replaces asparagine 2253 with lysine.
Molecular consequence: missense variant.
Genome position (GRCh38, 1-based): chr7:103,540,368, G>T on the plus strand (C>A on the coding strand, the complement: RELN is on the minus strand). VCF-style: chr7-103540368-G-T. GRCh37 (hg19) VCF-style: chr7-103180815-G-T.
Other names: c.6759C>A, p.Asn2253Lys (NM_173054.3); short protein forms N2253K.
Identifiers: ClinVar variation 1377211 (VCV001377211.6), dbSNP rs548135273, ClinGen allele CA368770016.

ClinVar aggregate classification (germline): Uncertain significance (1 of 4 stars; one submission).

Conditions:
Norman-Roberts syndrome (LIS2). Also called: Lissencephaly 2 (Norman-Roberts type). Identifiers: Orphanet 89844, MedGen C0796089, MONDO:0009760, OMIM 257320.
Familial temporal lobe epilepsy 7. Identifiers: Orphanet 101046, MedGen C4225327, MONDO:0014639, OMIM 616436.

gnomAD v4.1: 1 of 1,614,104 alleles (0.000062%); highest among the groups gnomAD compares: Middle Eastern, 0.016%; no homozygotes.

Submission:

Labcorp Genetics (formerly Invitae), Labcorp
Classification: Uncertain significance for Familial temporal lobe epilepsy 7; Norman-Roberts syndrome. Last evaluated: 2022-11-01. Review status: criteria provided, single submitter. Criteria: Invitae Variant Classification Sherloc (09022015). Collection method: clinical testing. Allele origin: germline.
Comment: In summary, the available evidence is currently insufficient to determine the role of this variant in disease. Therefore, it has been classified as a Variant of Uncertain Significance. Advanced modeling of protein sequence and biophysical properties (such as structural, functional, and spatial information, amino acid conservation, physicochemical variation, residue mobility, and thermodynamic stability) performed at Invitae indicates that this missense variant is not expected to disrupt RELN protein function. ClinVar contains an entry for this variant (Variation ID: 1377211). This variant has not been reported in the literature in individuals affected with RELN-related conditions. This variant is not present in population databases (gnomAD no frequency). This sequence change replaces asparagine, which is neutral and polar, with lysine, which is basic and polar, at codon 2253 of the RELN protein (p.Asn2253Lys).